The following is an entry in ClinVar:

ClinVar aggregate classification (germline): Likely benign. Review status: criteria provided, multiple submitters, no conflicts (2 of 4 stars). 2 submissions from 2 submitters: Likely benign (2). Last evaluated 2026-08-01.

Conditions:
Developmental and epileptic encephalopathy, 27 (DEE27). Also called: GRIN2B-Related Neurodevelopmental Disorder; Epileptic encephalopathy, early infantile, 27. Identifiers: Orphanet 3451, MedGen C4015316, MONDO:0014505, OMIM 616139.
Intellectual developmental disorder, autosomal dominant 6, with or without seizures. Also called: Intellectual disability, autosomal dominant 6; GRIN2B-related developmental delay, intellectual disability and autism spectrum disorder. Identifiers: Orphanet 589547, MedGen C3151411, MONDO:0013509, OMIM 613970.

Allele frequency attached by ClinVar (database versions not stated): gnomAD 0.00001; ExAC 0.00002; gnomAD exomes 0.00002; ESP Exome Variant Server 0.00008.
gnomAD v4.1: 30 of 1,613,358 alleles (0.0019%); highest among the groups gnomAD compares: East Asian, 0.045%; no homozygotes.

Submissions (2):

CeGaT Center for Human Genetics Tuebingen
Classification: Likely benign. Last evaluated: 2026-08-01. Review status: criteria provided, single submitter. Criteria: CeGaT Center For Human Genetics Tuebingen Variant Classification Criteria Version 2. Collection method: clinical testing. Allele origin: germline. Affected: yes. Observed: 1 variant allele.
Comment: GRIN2B: BP4, BP7

Labcorp Genetics (formerly Invitae), Labcorp
Classification: Likely benign for Developmental and epileptic encephalopathy, 27; Intellectual developmental disorder, autosomal dominant 6, with or without seizures. Last evaluated: 2025-04-18. Review status: criteria provided, single submitter. Criteria: Invitae Variant Classification Sherloc (09022015). Collection method: clinical testing. Allele origin: germline.

NM_000834.5(GRIN2B):c.4236G>A (p.Ala1412=)

Gene: GRIN2B (glutamate ionotropic receptor NMDA type subunit 2B; minus strand). Cytogenetic location: 12p13.1.
Variant type: single nucleotide variant.
Coding change: c.4236G>A on transcript NM_000834.5 (MANE Select); coding-DNA position 4236, G replaced by A.
Protein change: p.Ala1412=; no amino-acid change (alanine 1412 retained).
Molecular consequence: synonymous variant.
Genome position (GRCh38, 1-based): chr12:13,563,002, C>T on the plus strand (G>A on the coding strand, the complement: GRIN2B is on the minus strand). VCF-style: chr12-13563002-C-T. GRCh37 (hg19) VCF-style: chr12-13715936-C-T.
Other names: c.4236G>A, p.Ala1412= (NM_001413992.1).
Identifiers: ClinVar variation 2156461 (VCV002156461.5), dbSNP rs369034274, ClinGen allele CA6460763.